The following is an entry in ClinVar:

NM_003482.4(KMT2D):c.9265dup (p.Val3089fs)

Gene: KMT2D (lysine methyltransferase 2D; minus strand). Cytogenetic location: 12q13.12.
Variant type: Duplication.
Coding change: c.9265dup on transcript NM_003482.4 (MANE Select); coding-DNA position 9265, one base duplicated (G; older notation c.9265dupG).
Protein change: p.Val3089fs; shifts the reading frame from valine 3089.
Molecular consequence: frameshift variant.
Genome position (GRCh38, 1-based): chr12:49,038,091, C duplicated on the plus strand (G on the coding strand, the reverse complement: KMT2D is on the minus strand); the first of 6 consecutive C bases (chr12:49,038,091-49,038,096); duplicating any one gives the same sequence. VCF-style (leftmost placement, unchanged base first): chr12-49038090-A-AC. GRCh37 (hg19) VCF-style: chr12-49431873-A-AC.
Other names: c.9265dup (NM_003482.3); short protein forms V3089fs.
Identifiers: ClinVar variation 497970 (VCV000497970.8), dbSNP rs1333678798, ClinGen allele CA605233682.

ClinVar aggregate classification (germline): Pathogenic. Review status: criteria provided, multiple submitters, no conflicts (2 of 4 stars). 4 submissions from 4 submitters: Pathogenic (4). Last evaluated 2025-08-08.

Conditions:
Kabuki syndrome 1 (KABUK1). Also called: KMT2D-Related Kabuki Syndrome. Identifiers: Orphanet 2322, MedGen CN030661, MONDO:0007843, OMIM 147920.

Submissions (4):

GeneDx
Classification: Pathogenic. Last evaluated: 2025-08-08. Review status: criteria provided, single submitter. Criteria: GeneDx Variant Classification Process June 2021. Collection method: clinical testing. Allele origin: germline. Affected: yes.
Comment: Frameshift variant predicted to result in protein truncation or nonsense mediated decay in a gene for which loss of function is a known mechanism of disease; This variant is associated with the following publications: (PMID: 33587123, 36651673, 37432431, 36130591)

Institute of Immunology and Genetics Kaiserslautern
Classification: Pathogenic for Kabuki syndrome 1. Last evaluated: 2023-03-01. Review status: criteria provided, single submitter. Criteria: ACMG Guidelines, 2015. Collection method: clinical testing. Allele origin: de novo. Affected: yes.
Comment: ACMG Criteria: PVS1, PS2, PM2, PP5; Variant was found in heterozygous state. De novo-status was confirmed via in-house segregation analysis.

Athena Diagnostics
Classification: Pathogenic. Last evaluated: 2020-01-24. Review status: criteria provided, single submitter. Criteria: Athena Diagnostics Criteria. Collection method: clinical testing. Allele origin: unknown.
Comment: This duplication causes in a shift in the reading frame and is expected to result in the loss of a functional protein. The frequency of this variant in the general population is consistent with pathogenicity. This observation is not an independent occurrence and has been identified in the same individual by RCIGM, the other laboratory participating in the GEMINI study.

Eurofins Ntd Llc (ga)
Classification: Pathogenic. Last evaluated: 2016-10-27. Review status: criteria provided, single submitter. Criteria: EGL Classification Definitions 2015. Collection method: clinical testing. Allele origin: germline. Observed: 1 variant allele, 1 heterozygote.